The following is an entry in ClinVar:

NM_182760.4(SUMF1):c.239T>A (p.Val80Glu)

Genes: SUMF1 (sulfatase modifying factor 1; minus strand), LOC129936056 (ATAC-STARR-seq lymphoblastoid silent region 14016; plus strand). Cytogenetic location: 3p26.1.
Variant type: single nucleotide variant.
Coding change: c.239T>A on transcript NM_182760.4 (MANE Select); coding-DNA position 239, T replaced by A.
Protein change: p.Val80Glu; replaces valine 80 with glutamic acid.
Molecular consequence: missense variant.
Genome position (GRCh38, 1-based): chr3:4,467,007, A>T on the plus strand (T>A on the coding strand, the complement: SUMF1 is on the minus strand). VCF-style: chr3-4467007-A-T. GRCh37 (hg19) VCF-style: chr3-4508691-A-T.
Other names: c.239T>A, p.Val80Glu (NM_001164674.2, NM_001164675.2); short protein forms V80E.
Identifiers: ClinVar variation 838941 (VCV000838941.7), dbSNP rs752083773, ClinGen allele CA2230680.
Genomic context (GRCh38, chr3:4,467,007, plus strand): 5'-CACCCGCCTCGGAGGAATCGATGGAGCACCTTTGAGTGCGCGAGTTGCCGCTCTCCGGGT[A>T]CGGGGCCCGGAGCGTTAGCCTCCCGCGAGTATCGGTGAGCGGCTGCCGAACTGCCATGGG-3'
Protein context (NP_877437.2, residues 70-90): YSREANAPGP[Val80Glu]PGERQLAHSK

ClinVar aggregate classification (germline): Uncertain significance. Review status: criteria provided, multiple submitters, no conflicts (2 of 4 stars). 3 submissions from 3 submitters: Uncertain significance (2). 1 of the submissions does not count toward it. Last evaluated 2024-10-24.

Conditions:
Multiple sulfatase deficiency (MSD). Also called: Multiple Sulfatase Deficiency Disease; Sulfatidosis, Juvenile, Austin Type; Mucosulfatidosis. Identifiers: Orphanet 585, MedGen C0268263, MONDO:0010088, OMIM 272200.
Inborn genetic diseases. Identifiers: MedGen C0950123, MeSH D030342.

Allele frequency attached by ClinVar (database versions not stated): gnomAD 0.00001 and 0.00002; TOPMed 0.00001; gnomAD exomes 0.00005; 1000 Genomes Project 30x 0.00016.
gnomAD v4.1: 15 of 1,596,678 alleles (0.00094%); highest among the groups gnomAD compares: East Asian, 0.032%; no homozygotes.

Submissions (3):

Labcorp Genetics (formerly Invitae), Labcorp
Classification: Uncertain significance for Multiple sulfatase deficiency. Last evaluated: 2024-10-24. Review status: criteria provided, single submitter. Criteria: Invitae Variant Classification Sherloc (09022015). Collection method: clinical testing. Allele origin: germline.
Comment: This sequence change replaces valine, which is neutral and non-polar, with glutamic acid, which is acidic and polar, at codon 80 of the SUMF1 protein (p.Val80Glu). This variant is present in population databases (rs752083773, gnomAD 0.05%). This variant has not been reported in the literature in individuals affected with SUMF1-related conditions. ClinVar contains an entry for this variant (Variation ID: 838941). Invitae Evidence Modeling of protein sequence and biophysical properties (such as structural, functional, and spatial information, amino acid conservation, physicochemical variation, residue mobility, and thermodynamic stability) indicates that this missense variant is not expected to disrupt SUMF1 protein function with a negative predictive value of 95%. In summary, the available evidence is currently insufficient to determine the role of this variant in disease. Therefore, it has been classified as a Variant of Uncertain Significance.

Ambry Genetics
Classification: Uncertain significance for Inborn genetic diseases. Last evaluated: 2023-03-01. Review status: criteria provided, single submitter. Criteria: Ambry Variant Classification Scheme 2023. Collection method: clinical testing. Allele origin: germline.

Natera, Inc.
Classification: Likely benign for Multiple sulfatase deficiency. Last evaluated: 2020-04-23. Review status: no assertion criteria provided. Collection method: clinical testing. Allele origin: germline. Not counted in ClinVar's aggregate classification.